The following is an entry in ClinVar:

ClinVar aggregate classification (germline): Benign. Review status: criteria provided, multiple submitters, no conflicts (2 of 4 stars). 5 submissions from 5 submitters: Benign (4). 1 of the submissions does not count toward it. Last evaluated 2026-01-27.

Conditions:
POU4F3-related disorder. Also called: POU4F3-related condition.
Autosomal dominant nonsyndromic hearing loss 15 (DFNA15). Also called: DEAFNESS, AUTOSOMAL DOMINANT 52; Autosomal dominant nonsyndromic hearing loss 52. Identifiers: Orphanet 90635, MedGen C1865366, MONDO:0011226, OMIM 602459.

Allele frequency attached by ClinVar (database versions not stated): gnomAD 0.01843 and 0.01958; TOPMed 0.02132; ESP Exome Variant Server 0.02222; 1000 Genomes Project 0.02596; 1000 Genomes Project 30x 0.02764; gnomAD exomes 0.00511; ExAC 0.00644.
gnomAD v4.1: 5,399 of 1,614,148 alleles (0.33%); highest among the groups gnomAD compares: African/African-American, 6.4%; 170 homozygotes.

Submissions (5):

Labcorp Genetics (formerly Invitae), Labcorp
Classification: Benign. Last evaluated: 2026-01-27. Review status: criteria provided, single submitter. Criteria: Invitae Variant Classification Sherloc (09022015). Collection method: clinical testing. Allele origin: germline.

Illumina Laboratory Services, Illumina
Classification: Benign for Autosomal dominant nonsyndromic hearing loss 15. Last evaluated: 2018-01-13. Review status: criteria provided, single submitter. Criteria: ICSL Variant Classification Criteria 13 December 2019. Collection method: clinical testing. Allele origin: germline.
Comment: This variant was observed in the ICSL laboratory as part of a predisposition screen in an ostensibly healthy population. It had not been previously curated by ICSL or reported in the Human Gene Mutation Database (HGMD: prior to June 1st, 2018), and was therefore a candidate for classification through an automated scoring system. Utilizing variant allele frequency, disease prevalence and penetrance estimates, and inheritance mode, an automated score was calculated to assess if this variant is too frequent to cause the disease. Based on the score and internal cut-off values, a variant classified as benign is not then subjected to further curation. The score for this variant resulted in a classification of benign for this disease.

GeneDx
Classification: Benign. Last evaluated: 2017-12-18. Review status: criteria provided, single submitter. Criteria: GeneDx Variant Classification (06012015). Collection method: clinical testing. Allele origin: germline. Affected: yes.
Comment: This variant is considered likely benign or benign based on one or more of the following criteria: it is a conservative change, it occurs at a poorly conserved position in the protein, it is predicted to be benign by multiple in silico algorithms, and/or has population frequency not consistent with disease.

Laboratory for Molecular Medicine, Mass General Brigham Personalized Medicine
Classification: Benign. Last evaluated: 2012-05-07. Review status: criteria provided, single submitter. Criteria: LMM Criteria. Collection method: clinical testing. Allele origin: germline. Observed: 25 variant alleles.
Comment: "Thr279Thr in Exon 02 of POU4F3: This variant is not expected to have clinical s ignificance because it does not alter an amino acid residue, is not located with in the splice consensus sequence, and has been identified in 6.5% (243/3738) of African American chromosomes from a broad population by the NHLBI Exome Sequenci ng Project (dbSNP rs6885298)."

PreventionGenetics, part of Exact Sciences
Classification: Benign for POU4F3-related condition. Last evaluated: 2019-03-09. Review status: no assertion criteria provided. Collection method: clinical testing. Allele origin: germline. Not counted in ClinVar's aggregate classification.
Comment: This variant is classified as benign based on ACMG/AMP sequence variant interpretation guidelines (Richards et al. 2015 PMID: 25741868, with internal and published modifications).

NM_002700.3(POU4F3):c.837G>T (p.Thr279=)

Genes: RBM27-POU4F3 (RBM27-POU4F3 readthrough; plus strand), POU4F3 (POU class 4 homeobox 3; plus strand). Cytogenetic location: 5q32.
Variant type: single nucleotide variant.
Coding change: c.837G>T on transcript NM_002700.3 (MANE Select); coding-DNA position 837, G replaced by T.
Protein change: p.Thr279=; no amino-acid change (threonine 279 retained).
Molecular consequence: synonymous variant.
Genome position (GRCh38, 1-based): chr5:146,340,264, G>T. VCF-style: chr5-146340264-G-T. GRCh37 (hg19) VCF-style: chr5-145719827-G-T.
Identifiers: ClinVar variation 44579 (VCV000044579.20), dbSNP rs6885298, ClinGen allele CA134579.